The following is an entry in ClinVar:

ClinVar aggregate classification (germline): Pathogenic (1 of 4 stars; one submission).

Conditions:
Developmental and epileptic encephalopathy, 1 (DEE1). Also called: X-Linked Infantile Spasm Syndrome; X-linked infantile spasms; West's syndrome; Tonic spasms with clustering, arrest of psychomotor development and hypsarrhythmia on EEG; OHTAHARA SYNDROME, X-LINKED; Epileptic encephalopathy, early infantile, 1. Identifiers: MedGen C3463992, MONDO:0010632, OMIM 308350. Disease mechanism: loss of function.
Intellectual disability, X-linked, with or without seizures, ARX-related. Also called: Mental retardation, X-linked 52; INTELLECTUAL DEVELOPMENTAL DISORDER, X-LINKED 29; MENTAL RETARDATION, X-LINKED 29; MENTAL RETARDATION, X-LINKED 32; MENTAL RETARDATION, X-LINKED 33; MENTAL RETARDATION, X-LINKED 38. Identifiers: Orphanet 777, MedGen C0796244, MONDO:0010317, OMIM 300419.

Allele frequency attached by ClinVar (database versions not stated): gnomAD exomes below 0.00001.

Submission:

Labcorp Genetics (formerly Invitae), Labcorp
Classification: Pathogenic for Developmental and epileptic encephalopathy, 1; Intellectual disability, X-linked, with or without seizures, ARX-related. Last evaluated: 2022-08-16. Review status: criteria provided, single submitter. Criteria: Invitae Variant Classification Sherloc (09022015). Collection method: clinical testing. Allele origin: germline.
Comment: For these reasons, this variant has been classified as Pathogenic. Algorithms developed to predict the effect of sequence changes on RNA splicing suggest that this variant may disrupt the consensus splice site. ClinVar contains an entry for this variant (Variation ID: 1434577). Disruption of this splice site has been observed in individual(s) with clinical features of ARX-related conditions (Invitae). In at least one individual the variant was observed to be de novo. This variant is not present in population databases (gnomAD no frequency). This sequence change affects an acceptor splice site in intron 3 of the ARX gene. It is expected to disrupt RNA splicing. Variants that disrupt the donor or acceptor splice site typically lead to a loss of protein function (PMID: 16199547), and loss-of-function variants in ARX are known to be pathogenic (PMID: 19439424, 19738637).

Literature cited by the submitters: PubMed 16199547; PubMed 19439424; PubMed 19738637.

NM_139058.3(ARX):c.1120-2A>G

Gene: ARX (aristaless related homeobox; minus strand). Cytogenetic location: Xp21.3.
Variant type: single nucleotide variant.
Coding change: c.1120-2A>G on transcript NM_139058.3 (MANE Select); the canonical splice acceptor site of the intron before coding-DNA position 1120, A replaced by G.
Molecular consequence: splice acceptor variant.
Genome position (GRCh38, 1-based): chrX:25,007,441, T>C on the plus strand (A>G on the coding strand, the complement: ARX is on the minus strand). VCF-style: chrX-25007441-T-C. GRCh37 (hg19) VCF-style: chrX-25025558-T-C.
Identifiers: ClinVar variation 1434577 (VCV001434577.6), dbSNP rs2147320644, ClinGen allele CA412611698.